The following is an entry in ClinVar:

NM_001042492.3(NF1):c.7870-5G>T

Gene: NF1 (neurofibromin 1; plus strand). Cytogenetic location: 17q11.2.
Variant type: single nucleotide variant.
Coding change: c.7870-5G>T on transcript NM_001042492.3 (MANE Select); 5 bases into the intron before coding-DNA position 7870, G replaced by T.
Molecular consequence: intron variant.
Genome position (GRCh38, 1-based): chr17:31,357,264, G>T. VCF-style: chr17-31357264-G-T. GRCh37 (hg19) VCF-style: chr17-29684282-G-T.
Other names: c.7807-5G>T (NM_000267.4).
Identifiers: ClinVar variation 827267 (VCV000827267.12), dbSNP rs1169181885, ClinGen allele CA915949910.

ClinVar aggregate classification (germline): Conflicting classifications of pathogenicity. Review status: criteria provided, conflicting classifications (1 of 4 stars). 2 submissions from 2 submitters: Uncertain significance (1); Likely benign (1). Last evaluated 2023-09-08.

Conditions:
Hereditary cancer-predisposing syndrome. Also called: Neoplastic Syndromes, Hereditary; Hereditary Cancer Syndrome; Hereditary neoplastic syndrome; Tumor predisposition. Identifiers: Orphanet 140162, MedGen C0027672, MeSH D009386, MONDO:0015356.
Cardiovascular phenotype. Identifiers: MedGen CN230736.
Neurofibromatosis, type 1 (NF1). Also called: Neurofibromatosis, type I; Peripheral type neurofibromatosis; VON RECKLINGHAUSEN DISEASE; NEUROFIBROMATOSIS, TYPE I, SOMATIC. Identifiers: Orphanet 636, MedGen C0027831, MONDO:0018975, OMIM 162200. Disease mechanism: loss of function.

gnomAD v4.1: 15 of 1,613,166 alleles (0.00093%); highest among the groups gnomAD compares: Non-Finnish European, 0.0012%; no homozygotes.

Submissions (2):

Labcorp Genetics (formerly Invitae), Labcorp
Classification: Likely benign for Neurofibromatosis, type 1. Last evaluated: 2023-09-08. Review status: criteria provided, single submitter. Criteria: Invitae Variant Classification Sherloc (09022015). Collection method: clinical testing. Allele origin: germline.

Ambry Genetics
Classification: Uncertain significance for Cardiovascular phenotype; Hereditary cancer-predisposing syndrome. Last evaluated: 2019-03-04. Review status: criteria provided, single submitter. Criteria: Ambry Variant Classification Scheme 2023. Collection method: clinical testing. Allele origin: germline.
Comment: The c.7807-5G>T intronic variant results from a G to T substitution 5 nucleotides upstream from coding exon 53 in the NF1 gene. This nucleotide position is not well conserved in available vertebrate species. Using the BDGP and ESEfinder splice site prediction tools, this alteration is not predicted to have any significant effect on this splice acceptor site; however, direct evidence is unavailable. Since supporting evidence is limited at this time, the clinical significance of this alteration remains unclear.